The following is an entry in ClinVar:

ClinVar aggregate classification (germline): Uncertain significance (1 of 4 stars; one submission).

Submission:

Greenwood Genetic Center Diagnostic Laboratories, Greenwood Genetic Center
Classification: Uncertain significance. Last evaluated: 2023-06-29. Review status: criteria provided, single submitter. Criteria: ACMG Guidelines, 2015. Collection method: clinical testing. Allele origin: germline. Affected: yes.
Comment: PM2

NM_003491.4(NAA10):c.239C>T (p.Ser80Phe)

Gene: NAA10 (N-alpha-acetyltransferase 10, NatA catalytic subunit; minus strand). Cytogenetic location: Xq28.
Variant type: single nucleotide variant.
Coding change: c.239C>T on transcript NM_003491.4 (MANE Select); coding-DNA position 239, C replaced by T.
Protein change: p.Ser80Phe; replaces serine 80 with phenylalanine.
Molecular consequence: missense variant.
Genome position (GRCh38, 1-based): chrX:153,932,418, G>A on the plus strand (C>T on the coding strand, the complement: NAA10 is on the minus strand). VCF-style: chrX-153932418-G-A. GRCh37 (hg19) VCF-style: chrX-153197871-G-A.
Other names: c.239C>T, p.Ser80Phe (NM_001256119.2); c.221C>T, p.Ser74Phe (NM_001256120.2); short protein forms S74F, S80F.
Identifiers: ClinVar variation 2572314 (VCV002572314.1), dbSNP rs2521332430, ClinGen allele CA415159500.